The following is an entry in ClinVar:

ClinVar aggregate classification (germline): Conflicting classifications of pathogenicity. Review status: criteria provided, conflicting classifications (1 of 4 stars). 2 submissions from 2 submitters: Uncertain significance (1); Likely benign (1). Last evaluated 2024-02-26.

Conditions:
Inborn genetic diseases. Identifiers: MedGen C0950123, MeSH D030342.

Allele frequency attached by ClinVar (database versions not stated): gnomAD exomes below 0.00001; gnomAD 0.00001.
gnomAD v4.1: 7 of 1,613,728 alleles (0.00043%); highest among the groups gnomAD compares: South Asian, 0.0033%; no homozygotes.

Submissions (2):

GeneDx
Classification: Uncertain significance. Last evaluated: 2024-02-26. Review status: criteria provided, single submitter. Criteria: GeneDx Variant Classification Process June 2021. Collection method: clinical testing. Allele origin: germline.
Comment: In silico analysis supports that this missense variant does not alter protein structure/function; Has not been previously published as pathogenic or benign to our knowledge

Ambry Genetics
Classification: Likely benign for Inborn genetic diseases. Last evaluated: 2023-08-19. Review status: criteria provided, single submitter. Criteria: Ambry Variant Classification Scheme 2023. Collection method: clinical testing. Allele origin: germline.

NM_001080517.3(SETD5):c.3565G>A (p.Val1189Met)

Gene: SETD5 (SET domain containing 5; plus strand). Cytogenetic location: 3p25.3.
Variant type: single nucleotide variant.
Coding change: c.3565G>A on transcript NM_001080517.3 (MANE Select); coding-DNA position 3565, G replaced by A.
Protein change: p.Val1189Met; replaces valine 1189 with methionine.
Molecular consequence: missense variant.
Genome position (GRCh38, 1-based): chr3:9,474,516, G>A. VCF-style: chr3-9474516-G-A. GRCh37 (hg19) VCF-style: chr3-9516200-G-A.
Other names: c.3271G>A, p.Val1091Met (NM_001292043.2, NM_001349451.2); short protein forms V1091M, V1189M.
Identifiers: ClinVar variation 1804242 (VCV001804242.4), dbSNP rs1412309993, ClinGen allele CA351689128.